The following is an entry in ClinVar:

NC_000003.11:g.(?_142231092)_(142232490_?)dup

Gene: ATR (ATR serine/threonine kinase; minus strand). Cytogenetic location: 3q23.
Variant type: Duplication.
Identifiers: ClinVar variation 1504171 (VCV001504171.4).

ClinVar aggregate classification (germline): Likely pathogenic (1 of 4 stars; one submission).

Submission:

Labcorp Genetics (formerly Invitae), Labcorp
Classification: Likely pathogenic. Last evaluated: 2021-05-11. Review status: criteria provided, single submitter. Criteria: Invitae Variant Classification Sherloc (09022015). Collection method: clinical testing. Allele origin: germline.
Comment: In summary, the currently available evidence indicates that the variant is pathogenic, but additional data are needed to prove that conclusively. Therefore, this variant has been classified as Likely Pathogenic. This variant has not been reported in the literature in individuals with ATR-related conditions. This variant results in a copy number gain of the genomic region encompassing exon(s) 26-27 of the ATR gene. While the exact position of this variant cannot be determined from the data, sub-genic copy number gains are generally in tandem (PMID: 25640679). This variant is predicted to be out-of-frame, and may result in an absent or disrupted protein product. Loss-of-function variants in ATR are known to be pathogenic (PMID: 21228398, 23144622).

Literature cited by the submitters: PubMed 25640679; PubMed 21228398; PubMed 23144622.